The following is an entry in ClinVar:

NM_000432.4(MYL2):c.274+4A>C

Gene: MYL2 (myosin light chain 2; minus strand). Cytogenetic location: 12q24.11.
Variant type: single nucleotide variant.
Coding change: c.274+4A>C on transcript NM_000432.4 (MANE Select); 4 bases into the intron after coding-DNA position 274, A replaced by C.
Molecular consequence: intron variant.
Genome position (GRCh38, 1-based): chr12:110,914,182, T>G on the plus strand (A>C on the coding strand, the complement: MYL2 is on the minus strand). VCF-style: chr12-110914182-T-G. GRCh37 (hg19) VCF-style: chr12-111351986-T-G.
Other names: c.274+4A>C (NM_000432.3); c.217+4A>C (NM_001406916.1); c.232+4A>C (NM_001406745.1).
Identifiers: ClinVar variation 2905552 (VCV002905552.4), dbSNP rs2136772104, ClinGen allele CA2620917265.

ClinVar aggregate classification (germline): Uncertain significance. Review status: criteria provided, multiple submitters, no conflicts (2 of 4 stars). 2 submissions from 2 submitters: Uncertain significance (2). Last evaluated 2024-05-08.

Conditions:
Hypertrophic cardiomyopathy 10. Also called: MYL2-Related Familial Hypertrophic Cardiomyopathy; CARDIOMYOPATHY, HYPERTROPHIC, MID-LEFT VENTRICULAR CHAMBER TYPE, 2. Identifiers: MedGen C1834460, MONDO:0012112, OMIM 608758.
Cardiovascular phenotype. Identifiers: MedGen CN230736.

Submissions (2):

Ambry Genetics
Classification: Uncertain significance for Cardiovascular phenotype. Last evaluated: 2024-05-08. Review status: criteria provided, single submitter. Criteria: Ambry Variant Classification Scheme 2023. Collection method: clinical testing. Allele origin: germline.
Comment: The c.274+4A>C intronic variant results from an A to C substitution 4 nucleotides after coding exon 4 in the MYL2 gene. This nucleotide position is well conserved in available vertebrate species. In silico splice site analysis predicts that this alteration will not have any significant effect on splicing. Based on the available evidence, the clinical significance of this variant remains unclear.

Labcorp Genetics (formerly Invitae), Labcorp
Classification: Uncertain significance for Hypertrophic cardiomyopathy 10. Last evaluated: 2024-05-04. Review status: criteria provided, single submitter. Criteria: Invitae Variant Classification Sherloc (09022015). Collection method: clinical testing. Allele origin: germline.
Comment: This sequence change falls in intron 4 of the MYL2 gene. It does not directly change the encoded amino acid sequence of the MYL2 protein. It affects a nucleotide within the consensus splice site. This variant is not present in population databases (gnomAD no frequency). This variant has not been reported in the literature in individuals affected with MYL2-related conditions. Variants that disrupt the consensus splice site are a relatively common cause of aberrant splicing (PMID: 17576681, 9536098). Algorithms developed to predict the effect of sequence changes on RNA splicing suggest that this variant is not likely to affect RNA splicing. In summary, the available evidence is currently insufficient to determine the role of this variant in disease. Therefore, it has been classified as a Variant of Uncertain Significance.

Literature cited by the submitters: PubMed 17576681 (cited by Labcorp Genetics (formerly Invitae), Labcorp); PubMed 9536098 (cited by Labcorp Genetics (formerly Invitae), Labcorp).